The following is an entry in ClinVar:

ClinVar aggregate classification (germline): Uncertain significance. Review status: criteria provided, multiple submitters, no conflicts (2 of 4 stars). 2 submissions from 2 submitters: Uncertain significance (2). Last evaluated 2025-05-19.

Allele frequency attached by ClinVar (database versions not stated): TOPMed 0.00002; gnomAD 0.00003; 1000 Genomes Project 30x 0.00016.

Submissions (2):

Ambry Genetics
Classification: Uncertain significance. Last evaluated: 2025-05-19. Review status: criteria provided, single submitter. Criteria: Ambry Variant Classification Scheme 2023. Collection method: clinical testing. Allele origin: germline.

GeneDx
Classification: Uncertain significance. Last evaluated: 2023-06-02. Review status: criteria provided, single submitter. Criteria: GeneDx Variant Classification Process June 2021. Collection method: clinical testing. Allele origin: germline. Affected: yes.
Comment: In silico analysis supports that this missense variant does not alter protein structure/function; Has not been previously published as pathogenic or benign to our knowledge; Variants in candidate genes are classified as variants of uncertain significance in accordance with ACMG guidelines (Richards et al., 2015)

NM_182972.3(IRF2BP2):c.760G>A (p.Ala254Thr)

Gene: IRF2BP2 (interferon regulatory factor 2 binding protein 2; minus strand). Cytogenetic location: 1q42.3.
Variant type: single nucleotide variant.
Coding change: c.760G>A on transcript NM_182972.3 (MANE Select); coding-DNA position 760, G replaced by A.
Protein change: p.Ala254Thr; replaces alanine 254 with threonine.
Molecular consequence: missense variant.
Genome position (GRCh38, 1-based): chr1:234,608,735, C>T on the plus strand (G>A on the coding strand, the complement: IRF2BP2 is on the minus strand). VCF-style: chr1-234608735-C-T. GRCh37 (hg19) VCF-style: chr1-234744481-C-T.
Other names: c.760G>A, p.Ala254Thr (NM_001077397.1); short protein forms A254T.
Identifiers: ClinVar variation 2505891 (VCV002505891.2), dbSNP rs762572921, ClinGen allele CA1461783.